The following is an entry in ClinVar:

NM_007194.4(CHEK2):c.368A>G (p.Tyr123Cys)

Gene: CHEK2 (checkpoint kinase 2; minus strand). Cytogenetic location: 22q12.1.
Variant type: single nucleotide variant.
Coding change: c.368A>G on transcript NM_007194.4 (MANE Select); coding-DNA position 368, A replaced by G.
Protein change: p.Tyr123Cys; replaces tyrosine 123 with cysteine.
Molecular consequence: missense variant.
Genome position (GRCh38, 1-based): chr22:28,725,319, T>C on the plus strand (A>G on the coding strand, the complement: CHEK2 is on the minus strand). VCF-style: chr22-28725319-T-C. GRCh37 (hg19) VCF-style: chr22-29121307-T-C.
Other names: c.497A>G, p.Tyr166Cys (NM_001005735.3); c.-410A>G (NM_001257387.3); c.368A>G, p.Tyr123Cys (NM_001349956.3, NM_145862.3); short protein forms Y123C, Y166C.
Identifiers: ClinVar variation 230423 (VCV000230423.28), dbSNP rs876658557, ClinGen allele CA10581102.
Genomic context (GRCh38, chr22:28,725,319, plus strand): 5'-TGTTTCTTGCTGTATGTTCGGTATTTATCTGTTCTTTTCAGCAGTGGTTCATCAAAGCAA[T>C]ATTCACAGCTTTTGTCCCTCCCAAACCAGTAGTTGTCATTCACACATTCTGTAATATAAA-3'
Protein context (NP_009125.1, residues 113-133): YWFGRDKSCE[Tyr123Cys]CFDEPLLKRT

ClinVar aggregate classification (germline): Uncertain significance. Review status: criteria provided, multiple submitters, no conflicts (2 of 4 stars). 6 submissions from 6 submitters: Uncertain significance (5). 1 of the submissions does not count toward it. Last evaluated 2025-12-08.

Conditions:
Hereditary cancer-predisposing syndrome. Also called: Neoplastic Syndromes, Hereditary; Tumor predisposition; Hereditary Cancer Syndrome; Hereditary neoplastic syndrome. Identifiers: Orphanet 140162, MedGen C0027672, MeSH D009386, MONDO:0015356.
Familial cancer of breast. Also called: BREAST CANCER, FAMILIAL; hereditary breast carcinoma; Hereditary breast cancer. Identifiers: Orphanet 227535, MedGen C0346153, MONDO:0016419, OMIM 114480. Disease mechanism: loss of function.
Endometrial carcinoma. Also called: Endometrial carcinoma, somatic. Identifiers: MedGen C0476089, MONDO:0002447, OMIM 608089, HP:0012114.

Allele frequency attached by ClinVar (database versions not stated): gnomAD exomes 0.00001.
gnomAD v4.1: 6 of 1,614,124 alleles (0.00037%); highest among the groups gnomAD compares: East Asian, 0.0045%; no homozygotes.

Submissions (6):

Labcorp Genetics (formerly Invitae), Labcorp
Classification: Uncertain significance for Familial cancer of breast. Last evaluated: 2025-12-08. Review status: criteria provided, single submitter. Criteria: Invitae Variant Classification Sherloc (09022015). Collection method: clinical testing. Allele origin: germline.
Comment: This sequence change replaces tyrosine, which is neutral and polar, with cysteine, which is neutral and slightly polar, at codon 123 of the CHEK2 protein (p.Tyr123Cys). This variant is present in population databases (no rsID available, gnomAD 0.006%). This variant has not been reported in the literature in individuals affected with CHEK2-related conditions. ClinVar contains an entry for this variant (Variation ID: 230423). An algorithm developed to predict the effect of missense changes on protein structure and function (PolyPhen-2) suggests that this variant is likely to be disruptive. In summary, the available evidence is currently insufficient to determine the role of this variant in disease. Therefore, it has been classified as a Variant of Uncertain Significance.

Ambry Genetics
Classification: Uncertain significance for Hereditary cancer-predisposing syndrome. Last evaluated: 2024-11-06. Review status: criteria provided, single submitter. Criteria: Ambry Variant Classification Scheme 2023. Collection method: clinical testing. Allele origin: germline.
Comment: The p.Y123C variant (also known as c.368A>G), located in coding exon 2 of the CHEK2 gene, results from an A to G substitution at nucleotide position 368. The tyrosine at codon 123 is replaced by cysteine, an amino acid with highly dissimilar properties. This alteration has been reported in at least one breast cancer patient in a study of 13087 breast cancer cases and 5488 control individuals in the UK (Decker B et al. J Med Genet, 2017 11;54:732-741). This alteration behaved as functional in an in vivo, yeast-based growth rate assay (Delimitsou A et al. Hum Mutat, 2019 05;40:631-648). This alteration was also reported as functional in a study assessing CHEK2-complementation through quantification of KAP1 phosphorylation and CHK2 autophosphorylation in human RPE1-CHEK2-knockout cells (Stolarova L et al. Clin Cancer Res, 2023 Aug;29:3037-3050). This amino acid position is highly conserved in available vertebrate species. In addition, this alteration is predicted to be deleterious by in silico analysis. Based on the available evidence, the clinical significance of this variant remains unclear.

GeneDx
Classification: Uncertain significance. Last evaluated: 2024-10-11. Review status: criteria provided, single submitter. Criteria: GeneDx Variant Classification Process June 2021. Collection method: clinical testing. Allele origin: germline. Affected: yes.
Comment: Published functional studies suggest no damaging effect: DNA damage response comparable to wild type (PMID: 30851065); Identified in an individual with breast cancer (PMID: 28779002); Not observed at significant frequency in large population cohorts (gnomAD); In silico analysis supports that this missense variant has a deleterious effect on protein structure/function; This variant is associated with the following publications: (PMID: Mejia2020[abstract], 36809100, 30851065, 28779002, 22419737, 19782031)

Baylor Genetics
Classification: Uncertain significance for Familial cancer of breast. Last evaluated: 2023-12-04. Review status: criteria provided, single submitter. Criteria: ACMG Guidelines, 2015. Collection method: clinical testing. Allele origin: unknown.

Color Diagnostics, LLC DBA Color Health
Classification: Uncertain significance for Hereditary cancer-predisposing syndrome. Last evaluated: 2019-02-27. Review status: criteria provided, single submitter. Criteria: ACMG Guidelines, 2015. Collection method: clinical testing. Allele origin: germline.

Department of Pathology and Laboratory Medicine, Sinai Health System
Classification: Uncertain significance for Endometrial carcinoma. Review status: no assertion criteria provided. Collection method: clinical testing. Allele origin: unknown. Affected: yes. Study: The Canadian Open Genetics Repository (COGR). Not counted in ClinVar's aggregate classification.
Comment: CHEK2, EXON3, c.368A>G, p.Tyr123Cys, Heterozygous, Uncertain SignificancernThe CHEK2 p.Tyr123Cys variant was not identified in the literature nor was it identified in the Cosmic, MutDB, or Zhejiang University databases. The variant was identified in dbSNP (ID: rs876658557) as "With Uncertain significance allele ", and in ClinVar (classified as uncertain significance by Invitae, Ambry Genetics and Color). The variant was identified in control databases in 2 of 246068 chromosomes at a frequency of 0.000008 (Genome Aggregation Database Feb 27, 2017). The variant was observed in the following populations: European in 1 of 111530 chromosomes (freq: 0.000009), East Asian in 1 of 17248 chromosomes (freq: 0.00006), while the variant was not observed in the African, Other, Latino, Ashkenazi Jewish, Finnish, or South Asian populations. The p.Tyr123 residue is conserved in in mammals but not in more distantly related organisms however computational analyses (PolyPhen-2, SIFT, AlignGVGD, BLOSUM, MutationTaster) do not suggest a high likelihood of impact to the protein; this information is not predictive enough to rule out pathogenicity. The variant occurs outside of the splicing consensus sequence and in silico or computational prediction software programs (SpliceSiteFinder, MaxEntScan, NNSPLICE, GeneSplicer) do not predict a difference in splicing. In summary, based on the above information the clinical significance of this variant cannot be determined with certainty at this time. This variant is classified as a variant of uncertain significance.

Literature cited by the submitters: PubMed 28779002 (cited by Ambry Genetics); PubMed 30851065 (cited by Ambry Genetics); PubMed 37449874 (cited by Ambry Genetics).